The following is an entry in ClinVar:

ClinVar aggregate classification (germline): Likely benign (1 of 4 stars; one submission).

Allele frequency attached by ClinVar (database versions not stated): TOPMed below 0.00001; gnomAD 0.00001; ExAC 0.00002; gnomAD exomes 0.00003.
gnomAD v4.1: 44 of 1,600,132 alleles (0.0027%); highest among the groups gnomAD compares: South Asian, 0.012%; no homozygotes.

Submission:

CeGaT Center for Human Genetics Tuebingen
Classification: Likely benign. Last evaluated: 2023-10-01. Review status: criteria provided, single submitter. Criteria: CeGaT Center For Human Genetics Tuebingen Variant Classification Criteria Version 2. Collection method: clinical testing. Allele origin: germline. Affected: yes. Observed: 1 variant allele.
Comment: CAMK2G: BS2

NM_001367534.1(CAMK2G):c.1439C>T (p.Thr480Met)

Gene: CAMK2G (calcium/calmodulin dependent protein kinase II gamma; minus strand). Cytogenetic location: 10q22.2.
Variant type: single nucleotide variant.
Coding change: c.1439C>T on transcript NM_001367534.1 (MANE Select); coding-DNA position 1439, C replaced by T.
Protein change: p.Thr480Met; replaces threonine 480 with methionine.
Molecular consequence: missense variant. On other transcripts: 3 prime UTR variant (2), non-coding transcript variant (8).
Genome position (GRCh38, 1-based): chr10:73,817,479, G>A on the plus strand (C>T on the coding strand, the complement: CAMK2G is on the minus strand). VCF-style: chr10-73817479-G-A. GRCh37 (hg19) VCF-style: chr10-75577237-G-A.
Other names: c.1292C>T, p.Thr431Met (NM_001204492.2, NM_001367521.1); c.1160C>T, p.Thr387Met (NM_001222.4, NM_001367541.1); c.1370C>T, p.Thr457Met (NM_001320898.2, NM_001367546.1, NM_001367547.1); c.1319C>T, p.Thr440Met (NM_001367514.1, NM_001367525.1); c.1229C>T, p.Thr410Met (NM_001367516.1, NM_001367517.1, NM_001367529.1 and 1 more transcripts); c.1307C>T, p.Thr436Met (NM_001367518.1, NM_001367522.1); c.1193C>T, p.Thr398Met (NM_001367519.1, NM_001367530.1); c.1301C>T, p.Thr434Met (NM_001367520.1, NM_001367533.1); and 18 more; short protein forms T165M, T218M, T283M, T321M, T366M, T375M, T387M, T396M.
Identifiers: ClinVar variation 2640592 (VCV002640592.24), dbSNP rs763255076, ClinGen allele CA5561721.
Genomic context (GRCh38, chr10:73,817,479, plus strand): 5'-GAAGCAGGGAAGGCCTTGGGAGATGACTTAGGTCACAAAAAAAAATGGGTCTCTACTTAC[G>A]TGTAGGCCTCAAAGTCCCCATTGTTGATGGCTTCAATCAGCTGTTCTGTAATCTTAATGA-3'
Protein context (NP_001354463.1, residues 470-490): AINNGDFEAY[Thr480Met]KICDPGLTSF